The following is an entry in ClinVar:

ClinVar aggregate classification (germline): Likely benign. Review status: criteria provided, multiple submitters, no conflicts (2 of 4 stars). 4 submissions from 4 submitters: Likely benign (3). 1 of the submissions does not count toward it. Last evaluated 2026-01-12.

Conditions:
PREPL-related disorder. Also called: PREPL-related condition.
Myasthenic syndrome, congenital, 22 (CMS22). Also called: PREPL DEFICIENCY. Identifiers: MedGen C4479088, MONDO:0044299, OMIM 616224.

Allele frequency attached by ClinVar (database versions not stated): ExAC 0.00008; ESP Exome Variant Server 0.00008; gnomAD exomes 0.00009; TOPMed 0.00010; gnomAD 0.00012.
gnomAD v4.1: 148 of 1,612,974 alleles (0.0092%); highest among the groups gnomAD compares: Middle Eastern, 0.033%; no homozygotes.

Submissions (4):

Labcorp Genetics (formerly Invitae), Labcorp
Classification: Likely benign for Myasthenic syndrome, congenital, 22. Last evaluated: 2026-01-12. Review status: criteria provided, single submitter. Criteria: Invitae Variant Classification Sherloc (09022015). Collection method: clinical testing. Allele origin: germline.

CeGaT Center for Human Genetics Tuebingen
Classification: Likely benign. Last evaluated: 2023-10-01. Review status: criteria provided, single submitter. Criteria: CeGaT Center For Human Genetics Tuebingen Variant Classification Criteria Version 2. Collection method: clinical testing. Allele origin: germline. Affected: yes. Observed: 1 variant allele.
Comment: PREPL: BP4, BP7

Breakthrough Genomics
Classification: Likely benign. Review status: criteria provided, single submitter. Criteria: ACMG Guidelines, 2015. Collection method: not provided. Allele origin: germline. Inheritance: Autosomal recessive inheritance. Affected: yes.

PreventionGenetics, part of Exact Sciences
Classification: Likely benign for PREPL-related condition. Last evaluated: 2019-02-20. Review status: no assertion criteria provided. Collection method: clinical testing. Allele origin: germline. Not counted in ClinVar's aggregate classification.
Comment: This variant is classified as likely benign based on ACMG/AMP sequence variant interpretation guidelines (Richards et al. 2015 PMID: 25741868, with internal and published modifications).

NM_001171613.2(PREPL):c.1155C>G (p.Leu385=)

Gene: PREPL (prolyl endopeptidase like; minus strand). Cytogenetic location: 2p21.
Variant type: single nucleotide variant.
Coding change: c.1155C>G on transcript NM_001171613.2 (MANE Select); coding-DNA position 1155, C replaced by G.
Protein change: p.Leu385=; no amino-acid change (leucine 385 retained).
Molecular consequence: synonymous variant.
Genome position (GRCh38, 1-based): chr2:44,329,044, G>C on the plus strand (C>G on the coding strand, the complement: PREPL is on the minus strand). VCF-style: chr2-44329044-G-C. GRCh37 (hg19) VCF-style: chr2-44556183-G-C.
Other names: c.1236C>G, p.Leu412= (NM_001042385.2); c.1224C>G, p.Leu408= (NM_001042386.2); c.1422C>G, p.Leu474= (NM_001171603.1, NM_001171606.2, NM_001374275.1 and 2 more transcripts); c.1155C>G, p.Leu385= (NM_001171617.1, NM_001374277.1).
Identifiers: ClinVar variation 702252 (VCV000702252.34), dbSNP rs149866553, ClinGen allele CA1641212.